The following is an entry in ClinVar:

NM_194277.3(FRMD7):c.715C>T (p.Leu239Phe)

Gene: FRMD7 (FERM domain containing 7; minus strand). Cytogenetic location: Xq26.2.
Variant type: single nucleotide variant.
Coding change: c.715C>T on transcript NM_194277.3 (MANE Select); coding-DNA position 715, C replaced by T.
Protein change: p.Leu239Phe; replaces leucine 239 with phenylalanine.
Molecular consequence: missense variant.
Genome position (GRCh38, 1-based): chrX:132,084,516, G>A on the plus strand (C>T on the coding strand, the complement: FRMD7 is on the minus strand). VCF-style: chrX-132084516-G-A. GRCh37 (hg19) VCF-style: chrX-131218544-G-A.
Other names: c.670C>T, p.Leu224Phe (NM_001306193.2); short protein forms L224F, L239F.
Identifiers: ClinVar variation 3663232 (VCV003663232.2).
Genomic context (GRCh38, chrX:132,084,516, plus strand): 5'-AGAAAGTAAACGAATTTATTAGAAAGCTACTTACCAAGATATTGGCATGAAGTTTGATGA[G>A]AAAATGCTTTCTCTTAAAACTCAACTTGCGGATTTTAGCCCAGTTAAAAGTATTGATCTT-3'
Protein context (NP_919253.1, residues 229-249): RKLSFKRKHF[Leu239Phe]IKLHANILVL

ClinVar aggregate classification (germline): Uncertain significance (1 of 4 stars; one submission).

gnomAD v4.1: 1 of 1,177,552 alleles (0.000085%); highest among the groups gnomAD compares: East Asian, 0.003%; no homozygotes.

Submission:

Labcorp Genetics (formerly Invitae), Labcorp
Classification: Uncertain significance. Last evaluated: 2025-03-27. Review status: criteria provided, single submitter. Criteria: Invitae Variant Classification Sherloc (09022015). Collection method: clinical testing. Allele origin: germline.
Comment: This sequence change replaces leucine, which is neutral and non-polar, with phenylalanine, which is neutral and non-polar, at codon 239 of the FRMD7 protein (p.Leu239Phe). This variant is not present in population databases (gnomAD no frequency). This variant has not been reported in the literature in individuals affected with FRMD7-related conditions. An algorithm developed to predict the effect of missense changes on protein structure and function (PolyPhen-2) suggests that this variant is likely to be disruptive. In summary, the available evidence is currently insufficient to determine the role of this variant in disease. Therefore, it has been classified as a Variant of Uncertain Significance.